The following is an entry in ClinVar:

ClinVar aggregate classification (germline): Uncertain significance (1 of 4 stars; one submission).

Conditions:
Centromeric instability of chromosomes 1,9 and 16 and immunodeficiency (ICF1). Also called: IMMUNE DEFICIENCY, VARIABLE, WITH CENTROMERIC INSTABILITY OF CHROMOSOMES 1, 9, AND 16; IMMUNODEFICIENCY SYNDROME, VARIABLE; CENTROMERIC INSTABILITY, IMMUNODEFICIENCY SYNDROME; Immunodeficiency-centromeric instability-facial anomalies. Identifiers: Orphanet 2268, MedGen C0398788, MONDO:0000133.

Allele frequency attached by ClinVar (database versions not stated): gnomAD exomes below 0.00001; ExAC 0.00001.
gnomAD v4.1: 3 of 1,613,530 alleles (0.00019%); highest among the groups gnomAD compares: African/African-American, 0.0013%; no homozygotes.

Submission:

Labcorp Genetics (formerly Invitae), Labcorp
Classification: Uncertain significance for Centromeric instability of chromosomes 1,9 and 16 and immunodeficiency. Last evaluated: 2023-12-18. Review status: criteria provided, single submitter. Criteria: Invitae Variant Classification Sherloc (09022015). Collection method: clinical testing. Allele origin: germline.
Comment: This sequence change replaces arginine, which is basic and polar, with glutamine, which is neutral and polar, at codon 576 of the DNMT3B protein (p.Arg576Gln). This variant is present in population databases (rs757889243, gnomAD 0.003%). This variant has not been reported in the literature in individuals affected with DNMT3B-related conditions. ClinVar contains an entry for this variant (Variation ID: 2418274). Advanced modeling of protein sequence and biophysical properties (such as structural, functional, and spatial information, amino acid conservation, physicochemical variation, residue mobility, and thermodynamic stability) performed at Invitae indicates that this missense variant is expected to disrupt DNMT3B protein function with a positive predictive value of 80%. In summary, the available evidence is currently insufficient to determine the role of this variant in disease. Therefore, it has been classified as a Variant of Uncertain Significance.

NM_006892.4(DNMT3B):c.1727G>A (p.Arg576Gln)

Genes: DNMT3B (DNA methyltransferase 3 beta; plus strand), LOC126863014 (CDK7 strongly-dependent group 2 enhancer GRCh37_chr20:31385992-31387191; plus strand). Cytogenetic location: 20q11.21.
Variant type: single nucleotide variant.
Coding change: c.1727G>A on transcript NM_006892.4 (MANE Select); coding-DNA position 1727, G replaced by A.
Protein change: p.Arg576Gln; replaces arginine 576 with glutamine.
Molecular consequence: missense variant.
Genome position (GRCh38, 1-based): chr20:32,799,296, G>A. VCF-style: chr20-32799296-G-A. GRCh37 (hg19) VCF-style: chr20-31387102-G-A.
Other names: c.1541G>A, p.Arg514Gln (NM_001207055.2); c.1439G>A, p.Arg480Gln (NM_001207056.2); c.1667G>A, p.Arg556Gln (NM_175848.2, NM_175849.2); c.1703G>A, p.Arg568Gln (NM_175850.3); short protein forms R480Q, R514Q, R556Q, R568Q, R576Q.
Identifiers: ClinVar variation 2418274 (VCV002418274.5), dbSNP rs757889243, ClinGen allele CA9810683.